The following is an entry in ClinVar:

ClinVar aggregate classification (germline): Uncertain significance. Review status: criteria provided, multiple submitters, no conflicts (2 of 4 stars). 2 submissions from 2 submitters: Uncertain significance (2). Last evaluated 2025-06-15.

Conditions:
Familial melanoma. Also called: Hereditary cutaneous melanoma; Hereditary melanoma. Identifiers: Orphanet 618, MedGen C1512419, MONDO:0018961.
Hereditary cancer-predisposing syndrome. Also called: Hereditary Cancer Syndrome; Hereditary neoplastic syndrome; Neoplastic Syndromes, Hereditary; Tumor predisposition. Identifiers: Orphanet 140162, MedGen C0027672, MeSH D009386, MONDO:0015356.

Submissions (2):

Labcorp Genetics (formerly Invitae), Labcorp
Classification: Uncertain significance for Familial melanoma. Last evaluated: 2025-06-15. Review status: criteria provided, single submitter. Criteria: Invitae Variant Classification Sherloc (09022015). Collection method: clinical testing. Allele origin: germline.
Comment: This sequence change replaces alanine, which is neutral and non-polar, with glutamic acid, which is acidic and polar, at codon 20 of the CDKN2A (p16INK4a) protein (p.Ala20Glu). This variant is not present in population databases (gnomAD no frequency). This variant has not been reported in the literature in individuals affected with CDKN2A (p16INK4a)-related conditions. ClinVar contains an entry for this variant (Variation ID: 1750950). An algorithm developed to predict the effect of missense changes on protein structure and function (PolyPhen-2) suggests that this variant is likely to be disruptive. In summary, the available evidence is currently insufficient to determine the role of this variant in disease. Therefore, it has been classified as a Variant of Uncertain Significance.

Ambry Genetics
Classification: Uncertain significance for Hereditary cancer-predisposing syndrome. Last evaluated: 2022-09-29. Review status: criteria provided, single submitter. Criteria: Ambry Variant Classification Scheme 2023. Collection method: clinical testing. Allele origin: germline.
Comment: The p.A20E variant (also known as c.59C>A), located in coding exon 1 of the CDKN2A gene, results from a C to A substitution at nucleotide position 59. The alanine at codon 20 is replaced by glutamic acid, an amino acid with dissimilar properties. Another variant affecting this same amino acid, p.A20P, has been observed in at least one family with a clinical history that is consistent with familial pancreatic cancer and melanoma (Ambry internal data), and in vitro protein functional assays demonstrated that expressed protein with p.A20P was unable to bind to CDK4 or CDK6 (Ruas M et al. Oncogene. 1999 Sep;18:5423-34; Miller PJ et al. Hum Mutat. 2011 Aug;32:900-11). This amino acid position is well conserved in available vertebrate species. In addition, the in silico prediction for p.A20E is inconclusive. Since supporting evidence is limited at this time, the clinical significance of this alteration remains unclear.

NM_000077.5(CDKN2A):c.59C>A (p.Ala20Glu)

Gene: CDKN2A (cyclin dependent kinase inhibitor 2A; minus strand). Cytogenetic location: 9p21.3.
Variant type: single nucleotide variant.
Coding change: c.59C>A on transcript NM_000077.5; coding-DNA position 59, C replaced by A.
Protein change: p.Ala20Glu; replaces alanine 20 with glutamic acid.
Molecular consequence: missense variant (on NM_000077.6). On other transcripts: intron variant (2).
Genome position (GRCh38, 1-based): chr9:21,974,769, G>T on the plus strand (C>A on the coding strand, the complement: CDKN2A is on the minus strand). VCF-style: chr9-21974769-G-T. GRCh37 (hg19) VCF-style: chr9-21974768-G-T.
Other names: c.59C>A, p.Ala20Glu (NM_000077.6, NM_001195132.2, NM_058197.5); c.-3-3561C>A (NM_001363763.2); c.194-3561C>A (NM_058195.4); short protein forms A20E.
Identifiers: ClinVar variation 1750950 (VCV001750950.7), dbSNP rs864622484, ClinGen allele CA373086633.